The following is an entry in ClinVar:

ClinVar aggregate classification (germline): Uncertain significance (1 of 4 stars; one submission).

Conditions:
Peroxisome biogenesis disorder, complementation group 7 (CG7). Also called: Peroxisome biogenesis disorder, complementation group B. Identifiers: MedGen C1864399.

Submission:

Labcorp Genetics (formerly Invitae), Labcorp
Classification: Uncertain significance for Peroxisome biogenesis disorder, complementation group 7. Last evaluated: 2025-12-20. Review status: criteria provided, single submitter. Criteria: Invitae Variant Classification Sherloc (09022015). Collection method: clinical testing. Allele origin: germline.
Comment: This sequence change replaces valine, which is neutral and non-polar, with phenylalanine, which is neutral and non-polar, at codon 242 of the PEX10 protein (p.Val242Phe). The frequency data for this variant in the population databases is considered unreliable, as metrics indicate poor data quality at this position in the gnomAD database. This variant has not been reported in the literature in individuals affected with PEX10-related conditions. ClinVar contains an entry for this variant (Variation ID: 3705279). An algorithm developed to predict the effect of missense changes on protein structure and function outputs the following: PolyPhen-2: "Benign". The phenylalanine amino acid residue is found in multiple mammalian species, which suggests that this missense change does not adversely affect protein function. In summary, the available evidence is currently insufficient to determine the role of this variant in disease. Therefore, it has been classified as a Variant of Uncertain Significance.

NM_002617.4(PEX10):c.664G>T (p.Val222Phe)

Gene: PEX10 (peroxisomal biogenesis factor 10; minus strand). Cytogenetic location: 1p36.32.
Variant type: single nucleotide variant.
Coding change: c.664G>T on transcript NM_002617.4 (MANE Select); coding-DNA position 664, G replaced by T.
Protein change: p.Val222Phe; replaces valine 222 with phenylalanine.
Molecular consequence: missense variant. On other transcripts: non-coding transcript variant (1).
Genome position (GRCh38, 1-based): chr1:2,406,832, C>A on the plus strand (G>T on the coding strand, the complement: PEX10 is on the minus strand). VCF-style: chr1-2406832-C-A. GRCh37 (hg19) VCF-style: chr1-2338271-C-A.
Other names: c.721G>T, p.Val241Phe (NM_001374425.1); c.289G>T, p.Val97Phe (NM_001374426.1); c.232G>T, p.Val78Phe (NM_001374427.1); c.724G>T, p.Val242Phe (NM_153818.2); short protein forms V97F, V222F, V78F, V241F, V242F.
Identifiers: ClinVar variation 3705279 (VCV003705279.2).